The following is an entry in ClinVar:

ClinVar aggregate classification (germline): Uncertain significance (1 of 4 stars; one submission).

Conditions:
Cortical dysplasia, complex, with other brain malformations 13. Also called: Intellectual disability, autosomal dominant 13. Identifiers: MedGen C3281202, MONDO:0013805, OMIM 614563.

Submission:

3billion
Classification: Uncertain significance for Cortical dysplasia, complex, with other brain malformations 13. Last evaluated: 2023-07-17. Review status: criteria provided, single submitter. Criteria: ACMG Guidelines, 2015. Collection method: clinical testing. Allele origin: germline. Affected: yes.
Comment: The variant is not observed in the gnomAD v2.1.1 dataset. Predicted Consequence/Location: Missense changes are a common disease-causing mechanism. Therefore, this variant is classified as VUS according to the recommendation of ACMG/AMP guideline.

NM_001376.5(DYNC1H1):c.1639G>A (p.Glu547Lys)

Gene: DYNC1H1 (dynein cytoplasmic 1 heavy chain 1; plus strand). Cytogenetic location: 14q32.31.
Variant type: single nucleotide variant.
Coding change: c.1639G>A on transcript NM_001376.5 (MANE Select); coding-DNA position 1639, G replaced by A.
Protein change: p.Glu547Lys; replaces glutamic acid 547 with lysine.
Molecular consequence: missense variant.
Genome position (GRCh38, 1-based): chr14:101,985,864, G>A. VCF-style: chr14-101985864-G-A. GRCh37 (hg19) VCF-style: chr14-102452201-G-A.
Other names: short protein forms E547K.
Identifiers: ClinVar variation 3776048 (VCV003776048.1).